The following is an entry in ClinVar:

NM_000843.4(GRM6):c.1403G>A (p.Gly468Glu)

Genes: GRM6 (glutamate metabotropic receptor 6; minus strand), ZNF454 (zinc finger protein 454; plus strand). Cytogenetic location: 5q35.3.
Variant type: single nucleotide variant.
Coding change: c.1403G>A on transcript NM_000843.4 (MANE Select); coding-DNA position 1403, G replaced by A.
Protein change: p.Gly468Glu; replaces glycine 468 with glutamic acid.
Molecular consequence: missense variant.
Genome position (GRCh38, 1-based): chr5:178,986,935, C>T on the plus strand (G>A on the coding strand, the complement: GRM6 is on the minus strand). VCF-style: chr5-178986935-C-T. GRCh37 (hg19) VCF-style: chr5-178413936-C-T.
Other names: short protein forms G468E.
Identifiers: ClinVar variation 836682 (VCV000836682.9), dbSNP rs896302201, ClinGen allele CA133026473.
Genomic context (GRCh38, chr5:178,986,935, plus strand): 5'-TGGTACCCGCCACTGCTGGCACTGCCATTGGTCGCCTGGTACTGGAAGATGTCGTACCGC[C>T]CGGGCGCATCTCCGTTCTCGTTGAACATCACAGGGGTTCCTGCGCTGCCTGGAGAGAGAG-3'
Protein context (NP_000834.2, residues 458-478): VMFNENGDAP[Gly468Glu]RYDIFQYQAT

ClinVar aggregate classification (germline): Uncertain significance (1 of 4 stars; one submission).

Allele frequency attached by ClinVar (database versions not stated): TOPMed below 0.00001; gnomAD 0.00001.
gnomAD v4.1: 2 of 1,613,992 alleles (0.00012%); highest among the groups gnomAD compares: African/African-American, 0.0027%; no homozygotes.

Submission:

Labcorp Genetics (formerly Invitae), Labcorp
Classification: Uncertain significance. Last evaluated: 2025-05-05. Review status: criteria provided, single submitter. Criteria: Invitae Variant Classification Sherloc (09022015). Collection method: clinical testing. Allele origin: germline.
Comment: This sequence change replaces glycine, which is neutral and non-polar, with glutamic acid, which is acidic and polar, at codon 468 of the GRM6 protein (p.Gly468Glu). This variant is present in population databases (no rsID available, gnomAD 0.01%). This variant has not been reported in the literature in individuals affected with GRM6-related conditions. ClinVar contains an entry for this variant (Variation ID: 836682). Invitae Evidence Modeling of protein sequence and biophysical properties (such as structural, functional, and spatial information, amino acid conservation, physicochemical variation, residue mobility, and thermodynamic stability) has been performed for this missense variant. However, the output from this modeling did not meet the statistical confidence thresholds required to predict the impact of this variant on GRM6 protein function. In summary, the available evidence is currently insufficient to determine the role of this variant in disease. Therefore, it has been classified as a Variant of Uncertain Significance.